The following is an entry in ClinVar:

ClinVar aggregate classification (germline): Uncertain significance (1 of 4 stars; one submission).

Allele frequency attached by ClinVar (database versions not stated): ExAC 0.00002; gnomAD 0.00003.

Submission:

Labcorp Genetics (formerly Invitae), Labcorp
Classification: Uncertain significance. Last evaluated: 2023-09-11. Review status: criteria provided, single submitter. Criteria: Invitae Variant Classification Sherloc (09022015). Collection method: clinical testing. Allele origin: germline.
Comment: This sequence change affects codon 178 of the IL18BP mRNA. It is a 'silent' change, meaning that it does not change the encoded amino acid sequence of the IL18BP protein. This variant has not been reported in the literature in individuals affected with IL18BP-related conditions. This variant is present in population databases (rs769692426, gnomAD 0.03%). In summary, the available evidence is currently insufficient to determine the role of this variant in disease. Therefore, it has been classified as a Variant of Uncertain Significance.

NM_001039660.2(IL18BP):c.534C>G (p.Pro178=)

Gene: IL18BP (interleukin 18 binding protein; plus strand). Cytogenetic location: 11q13.4.
Variant type: single nucleotide variant.
Coding change: c.534C>G on transcript NM_001039660.2 (MANE Select); coding-DNA position 534, C replaced by G.
Protein change: p.Pro178=; no amino-acid change (proline 178 retained).
Molecular consequence: synonymous variant. On other transcripts: missense variant (2), 3 prime UTR variant (1).
Genome position (GRCh38, 1-based): chr11:72,001,810, C>G. VCF-style: chr11-72001810-C-G. GRCh37 (hg19) VCF-style: chr11-71712856-C-G.
Other names: c.534C>G, p.Pro178= (NM_001039659.2, NM_001145057.1, NM_173042.2); c.262C>G, p.His88Asp (NM_001145055.1); c.*165C>G (NM_005699.3); c.406C>G, p.His136Asp (NM_173044.3); short protein forms H136D, H88D.
Identifiers: ClinVar variation 2871357 (VCV002871357.3), dbSNP rs769692426, ClinGen allele CA6166306.